The following is an entry in ClinVar:

ClinVar aggregate classification (germline): Uncertain significance (1 of 4 stars; one submission).

Allele frequency attached by ClinVar (database versions not stated): ExAC 0.00002.
gnomAD v4.1: 31 of 1,586,574 alleles (0.002%); highest among the groups gnomAD compares: Non-Finnish European, 0.0025%; no homozygotes.

Submission:

Labcorp Genetics (formerly Invitae), Labcorp
Classification: Uncertain significance. Last evaluated: 2024-11-16. Review status: criteria provided, single submitter. Criteria: Invitae Variant Classification Sherloc (09022015). Collection method: clinical testing. Allele origin: germline.
Comment: This sequence change replaces glycine, which is neutral and non-polar, with serine, which is neutral and polar, at codon 351 of the PLEKHM2 protein (p.Gly351Ser). This variant is present in population databases (rs759813805, gnomAD 0.003%). This variant has not been reported in the literature in individuals affected with PLEKHM2-related conditions. ClinVar contains an entry for this variant (Variation ID: 1008006). An algorithm developed to predict the effect of missense changes on protein structure and function outputs the following: PolyPhen-2: "Benign". The serine amino acid residue is found in multiple mammalian species, which suggests that this missense change does not adversely affect protein function. In summary, the available evidence is currently insufficient to determine the role of this variant in disease. Therefore, it has been classified as a Variant of Uncertain Significance.

NM_015164.4(PLEKHM2):c.1051G>A (p.Gly351Ser)

Gene: PLEKHM2 (pleckstrin homology and RUN domain containing M2; plus strand). Cytogenetic location: 1p36.21.
Variant type: single nucleotide variant.
Coding change: c.1051G>A on transcript NM_015164.4 (MANE Select); coding-DNA position 1051, G replaced by A.
Protein change: p.Gly351Ser; replaces glycine 351 with serine.
Molecular consequence: missense variant.
Genome position (GRCh38, 1-based): chr1:15,727,123, G>A. VCF-style: chr1-15727123-G-A. GRCh37 (hg19) VCF-style: chr1-16053618-G-A.
Other names: short protein forms G351S.
Identifiers: ClinVar variation 1008006 (VCV001008006.6), dbSNP rs759813805, ClinGen allele CA616833.